The following is an entry in ClinVar:

NM_182493.3(MYLK3):c.1902C>A (p.His634Gln)

Gene: MYLK3 (myosin light chain kinase 3; minus strand). Cytogenetic location: 16q11.2.
Variant type: single nucleotide variant.
Coding change: c.1902C>A on transcript NM_182493.3 (MANE Select); coding-DNA position 1902, C replaced by A.
Protein change: p.His634Gln; replaces histidine 634 with glutamine.
Molecular consequence: missense variant.
Genome position (GRCh38, 1-based): chr16:46,727,248, G>T on the plus strand (C>A on the coding strand, the complement: MYLK3 is on the minus strand). VCF-style: chr16-46727248-G-T. GRCh37 (hg19) VCF-style: chr16-46761160-G-T.
Other names: c.879C>A, p.His293Gln (NM_001308301.1); short protein forms H634Q, H293Q.
Identifiers: ClinVar variation 1378014 (VCV001378014.6), dbSNP rs2143014442, ClinGen allele CA395789615.

ClinVar aggregate classification (germline): Uncertain significance (1 of 4 stars; one submission).

Submission:

Labcorp Genetics (formerly Invitae), Labcorp
Classification: Uncertain significance. Last evaluated: 2021-08-27. Review status: criteria provided, single submitter. Criteria: Invitae Variant Classification Sherloc (09022015). Collection method: clinical testing. Allele origin: germline.
Comment: This variant has not been reported in the literature in individuals affected with MYLK3-related conditions. Algorithms developed to predict the effect of missense changes on protein structure and function are either unavailable or do not agree on the potential impact of this missense change (SIFT: "Tolerated"; PolyPhen-2: "Probably Damaging"; Align-GVGD: "Class C0"). In summary, the available evidence is currently insufficient to determine the role of this variant in disease. Therefore, it has been classified as a Variant of Uncertain Significance. This variant is not present in population databases (ExAC no frequency). This sequence change replaces histidine with glutamine at codon 634 of the MYLK3 protein (p.His634Gln). The histidine residue is highly conserved and there is a small physicochemical difference between histidine and glutamine.